The following is an entry in ClinVar:

NM_025114.4(CEP290):c.4834_4835del (p.Thr1612fs)

Gene: CEP290 (centrosomal protein 290; minus strand). Cytogenetic location: 12q21.32.
Variant type: Deletion.
Coding change: c.4834_4835del on transcript NM_025114.4 (MANE Select); coding-DNA positions 4834 to 4835, 2 bases deleted (AC; older notation c.4834_4835delAC).
Protein change: p.Thr1612fs; shifts the reading frame from threonine 1612.
Molecular consequence: frameshift variant.
Genome position (GRCh38, 1-based): chr12:88,083,208-88,083,209, GT deleted on the plus strand (AC on the coding strand, the reverse complement: CEP290 is on the minus strand); deleting any 2 consecutive bases within chr12:88,083,208-88,083,210 gives the same sequence; the c. name uses the placement nearest the transcript's 3' end. VCF-style (leftmost placement, unchanged base first): chr12-88083207-AGT-A. GRCh37 (hg19) VCF-style: chr12-88476984-AGT-A.
Other names: c.4834_4835delAC (NM_025114.3); c.4834_4835del (NM_025114.3); short protein forms T1612fs.
Identifiers: ClinVar variation 1453253 (VCV001453253.10), dbSNP rs1207944612, ClinGen allele CA606454321.

ClinVar aggregate classification (germline): Pathogenic/Likely pathogenic. Review status: criteria provided, multiple submitters, no conflicts (2 of 4 stars). 5 submissions from 5 submitters: Pathogenic (3); Likely pathogenic (2). Last evaluated 2025-11-18.

Conditions:
Bardet-Biedl syndrome 14 (BBS14). Identifiers: Orphanet 110, MedGen C2673874, MONDO:0014442, OMIM 615991.
Joubert syndrome 5 (JBTS5). Identifiers: Orphanet 2318, MedGen C1857780, MONDO:0012432, OMIM 610188.
Senior-Loken syndrome 6 (SLSN6). Identifiers: Orphanet 3156, MedGen C1857779, MONDO:0012433, OMIM 610189.
Meckel syndrome, type 4 (MKS4). Also called: MECKEL-GRUBER SYNDROME, TYPE 4. Identifiers: Orphanet 564, MedGen C1970161, MONDO:0012626, OMIM 611134.
Leber congenital amaurosis 10 (LCA10). Identifiers: Orphanet 65, MedGen C1857821, MONDO:0012723, OMIM 611755.
CEP290-related disorder. Also called: CEP290-related condition; CEP290-related disorders. Identifiers: MedGen CN239314.
Nephronophthisis. Also called: Juvenile Nephronophthisis. Identifiers: Orphanet 655, MedGen C0687120, MONDO:0019005, HP:0000090.
Meckel-Gruber syndrome. Also called: DYSENCEPHALIA SPLANCHNOCYSTICA; GRUBER SYNDROME; Dysencephalia splachnocystica. Identifiers: Orphanet 564, MedGen C0265215, MONDO:0018921.
Joubert syndrome. Also called: JOUBERT-BOLTSHAUSER SYNDROME; Familial aplasia of the vermis. Identifiers: Orphanet 475, MedGen C5979921, MONDO:0018772.
Leber congenital amaurosis (LCA). Also called: Leber's amaurosis. Identifiers: Orphanet 65, MedGen C0339527, MeSH D057130, MONDO:0018998.

Submissions (5):

Labcorp Genetics (formerly Invitae), Labcorp
Classification: Pathogenic for Joubert syndrome; Meckel-Gruber syndrome; Nephronophthisis. Last evaluated: 2025-11-18. Review status: criteria provided, single submitter. Criteria: Invitae Variant Classification Sherloc (09022015). Collection method: clinical testing. Allele origin: germline.
Comment: This sequence change creates a premature translational stop signal (p.Thr1612Serfs*13) in the CEP290 gene. It is expected to result in an absent or disrupted protein product. Loss-of-function variants in CEP290 are known to be pathogenic (PMID: 16909394, 17345604, 20690115). This variant is present in population databases (no rsID available, gnomAD 0.009%). This premature translational stop signal has been observed in individual(s) with progressive pigmentary retinopathy (PMID: 25097241). ClinVar contains an entry for this variant (Variation ID: 1453253). For these reasons, this variant has been classified as Pathogenic.

PreventionGenetics, part of Exact Sciences
Classification: Pathogenic for CEP290-related condition. Last evaluated: 2025-11-11. Review status: criteria provided, single submitter. Criteria: ACMG Guidelines, 2015. Collection method: clinical testing. Allele origin: germline.
Comment: The CEP290 c.4834_4835delAC variant is predicted to result in a frameshift and premature protein termination (p.Thr1612Serfs*13). This variant has been reported in the compound heterozygous state in an individual with progressive pigmentary retinopathy (Wang et al. 2014. PubMed ID: 25097241). This variant is reported in 0.0088% of alleles in individuals of Latino descent in gnomAD. Frameshift variants in CEP290 are expected to be pathogenic. This variant is interpreted as pathogenic.

GeneDx
Classification: Pathogenic. Last evaluated: 2025-06-04. Review status: criteria provided, single submitter. Criteria: GeneDx Variant Classification Process June 2021. Collection method: clinical testing. Allele origin: germline. Affected: yes.
Comment: Frameshift variant predicted to result in protein truncation or nonsense mediated decay in a gene for which loss-of-function is a known mechanism of disease; Not observed at significant frequency in large population cohorts (gnomAD); This variant is associated with the following publications: (PMID: 31964843, 25097241)

Natera, Inc.
Classification: Likely pathogenic for Leber congenital amaurosis. Last evaluated: 2025-05-02. Review status: criteria provided, single submitter. Criteria: Natera Variant Classification Schema (03/2026). Collection method: clinical testing. Allele origin: germline.
Comment: The c.4834_4835del variant in CEP290 is a frameshift variant predicted to shift the reading frame beginning at codon 1612 and leads to a stop codon 13 codons downstream. This variant is expected to result in nonsense mediated decay, truncation, or a dysfunctional protein product. This variant is rare in the general population with a frequency below the threshold expected for the associated phenotype(s). Given the available evidence, this variant is classified as Likely Pathogenic.

Fulgent Genetics
Classification: Likely pathogenic for Joubert syndrome 5; Senior-Loken syndrome 6; Meckel syndrome, type 4; Leber congenital amaurosis 10; Bardet-Biedl syndrome 14. Last evaluated: 2024-04-04. Review status: criteria provided, single submitter. Criteria: ACMG Guidelines, 2015. Collection method: clinical testing. Allele origin: germline.

Literature cited by the submitters: PubMed 16909394 (cited by Labcorp Genetics (formerly Invitae), Labcorp); PubMed 17345604 (cited by Labcorp Genetics (formerly Invitae), Labcorp); PubMed 20690115 (cited by Labcorp Genetics (formerly Invitae), Labcorp); PubMed 25097241 (cited by Labcorp Genetics (formerly Invitae), Labcorp).